The following is an entry in ClinVar:

NM_013254.4(TBK1):c.1193C>T (p.Ser398Phe)

Gene: TBK1 (TANK binding kinase 1; plus strand). Cytogenetic location: 12q14.2.
Variant type: single nucleotide variant.
Coding change: c.1193C>T on transcript NM_013254.4 (MANE Select); coding-DNA position 1193, C replaced by T.
Protein change: p.Ser398Phe; replaces serine 398 with phenylalanine.
Molecular consequence: missense variant.
Genome position (GRCh38, 1-based): chr12:64,485,458, C>T. VCF-style: chr12-64485458-C-T. GRCh37 (hg19) VCF-style: chr12-64879238-C-T.
Other names: short protein forms S398F.
Identifiers: ClinVar variation 2578142 (VCV002578142.1), dbSNP rs2539518968, ClinGen allele CA385600617.

ClinVar aggregate classification (germline): Uncertain significance (1 of 4 stars; one submission).

Submission:

GeneDx
Classification: Uncertain significance. Last evaluated: 2023-02-28. Review status: criteria provided, single submitter. Criteria: GeneDx Variant Classification Process June 2021. Collection method: clinical testing. Allele origin: germline. Affected: yes.
Comment: Not observed at significant frequency in large population cohorts (gnomAD); In silico analysis supports that this missense variant has a deleterious effect on protein structure/function; Has not been previously published as pathogenic or benign to our knowledge